The following is an entry in ClinVar:

NM_003052.5(SLC34A1):c.1039G>C (p.Asp347His)

Gene: SLC34A1 (solute carrier family 34 member 1; plus strand). Cytogenetic location: 5q35.3.
Variant type: single nucleotide variant.
Coding change: c.1039G>C on transcript NM_003052.5 (MANE Select); coding-DNA position 1039, G replaced by C.
Protein change: p.Asp347His; replaces aspartic acid 347 with histidine.
Molecular consequence: missense variant.
Genome position (GRCh38, 1-based): chr5:177,394,060, G>C. VCF-style: chr5-177394060-G-C. GRCh37 (hg19) VCF-style: chr5-176821061-G-C.
Other names: short protein forms D347H.
Identifiers: ClinVar variation 1055796 (VCV001055796.9), dbSNP rs750711955, ClinGen allele CA3580627.

ClinVar aggregate classification (germline): Uncertain significance. Review status: criteria provided, multiple submitters, no conflicts (2 of 4 stars). 2 submissions from 2 submitters: Uncertain significance (2). Last evaluated 2024-01-15.

Conditions:
Hypophosphatemic nephrolithiasis/osteoporosis 1. Identifiers: Orphanet 244305, MedGen C2676786, MONDO:0012850, OMIM 612286.
Fanconi renotubular syndrome 2 (FRTS2). Identifiers: MedGen C3150652, MONDO:0013247, OMIM 613388.
Hypercalcemia, infantile, 2 (HCINF2). Identifiers: Orphanet 300547, MedGen C4310473, MONDO:0014851, OMIM 616963.

Allele frequency attached by ClinVar (database versions not stated): gnomAD 0.00001; gnomAD exomes 0.00002 and 0.00005; TOPMed 0.00002; ExAC 0.00004.
gnomAD v4.1: 14 of 1,613,936 alleles (0.00087%); highest among the groups gnomAD compares: Admixed American, 0.023%; no homozygotes.

Submissions (2):

Fulgent Genetics
Classification: Uncertain significance for Hypophosphatemic nephrolithiasis/osteoporosis 1; Fanconi renotubular syndrome 2; Hypercalcemia, infantile, 2. Last evaluated: 2024-01-15. Review status: criteria provided, single submitter. Criteria: ACMG Guidelines, 2015. Collection method: clinical testing. Allele origin: germline.

Labcorp Genetics (formerly Invitae), Labcorp
Classification: Uncertain significance. Last evaluated: 2023-07-17. Review status: criteria provided, single submitter. Criteria: Invitae Variant Classification Sherloc (09022015). Collection method: clinical testing. Allele origin: germline.
Comment: This sequence change replaces aspartic acid, which is acidic and polar, with histidine, which is basic and polar, at codon 347 of the SLC34A1 protein (p.Asp347His). This variant is present in population databases (rs750711955, gnomAD 0.04%). This variant has not been reported in the literature in individuals affected with SLC34A1-related conditions. ClinVar contains an entry for this variant (Variation ID: 1055796). Advanced modeling of protein sequence and biophysical properties (such as structural, functional, and spatial information, amino acid conservation, physicochemical variation, residue mobility, and thermodynamic stability) has been performed at Invitae for this missense variant, however the output from this modeling did not meet the statistical confidence thresholds required to predict the impact of this variant on SLC34A1 protein function. In summary, the available evidence is currently insufficient to determine the role of this variant in disease. Therefore, it has been classified as a Variant of Uncertain Significance.